The following is an entry in ClinVar:

ClinVar aggregate classification (germline): Likely benign. Review status: criteria provided, multiple submitters, no conflicts (2 of 4 stars). 2 submissions from 2 submitters: Likely benign (2). Last evaluated 2025-12-02.

Conditions:
ACACA-related disorder. Also called: ACACA-related condition.

Allele frequency attached by ClinVar (database versions not stated): gnomAD exomes 0.00013; 1000 Genomes Project 30x 0.00016; 1000 Genomes Project 0.00020; ExAC 0.00022; TOPMed 0.00028; gnomAD 0.00029; ESP Exome Variant Server 0.00038.
gnomAD v4.1: 238 of 1,614,152 alleles (0.015%); highest among the groups gnomAD compares: Middle Eastern, 0.3%; no homozygotes.

Submissions (2):

Labcorp Genetics (formerly Invitae), Labcorp
Classification: Likely benign. Last evaluated: 2025-12-02. Review status: criteria provided, single submitter. Criteria: Invitae Variant Classification Sherloc (09022015). Collection method: clinical testing. Allele origin: germline.

PreventionGenetics, part of Exact Sciences
Classification: Likely benign for ACACA-related condition. Last evaluated: 2025-07-25. Review status: criteria provided, single submitter. Criteria: ACMG Guidelines, 2015. Collection method: clinical testing. Allele origin: germline.
Comment: This variant is classified as likely benign based on ACMG/AMP sequence variant interpretation guidelines (Richards et al. 2015 PMID: 25741868, with internal and published modifications).

NM_198834.3(ACACA):c.4968A>G (p.Gln1656=)

Gene: ACACA (acetyl-CoA carboxylase alpha; minus strand). Cytogenetic location: 17q12.
Variant type: single nucleotide variant.
Coding change: c.4968A>G on transcript NM_198834.3 (MANE Select); coding-DNA position 4968, A replaced by G.
Protein change: p.Gln1656=; no amino-acid change (glutamine 1656 retained).
Molecular consequence: synonymous variant.
Genome position (GRCh38, 1-based): chr17:37,179,371, T>C on the plus strand (A>G on the coding strand, the complement: ACACA is on the minus strand). VCF-style: chr17-37179371-T-C. GRCh37 (hg19) VCF-style: chr17-35536312-T-C.
Other names: c.4968A>G (NM_198834.2); c.4857A>G, p.Gln1619= (NM_198836.3, NM_198839.3); c.4683A>G, p.Gln1561= (NM_198837.2); c.4623A>G, p.Gln1541= (NM_198838.2).
Identifiers: ClinVar variation 1989058 (VCV001989058.5), dbSNP rs146371757, ClinGen allele CA8514959.
Genomic context (GRCh38, chr17:37,179,371, plus strand): 5'-CAGTACCAGTTCAGTGTAAGTCAGCATGTCAGAAGGCAGAGGGGGAGATGGAAGAAATGC[T>C]TGAGTGGACATAGACTCCCAGAGTTTGATCAGGGACTAGTGGAGAAAAGAAGTTTGACTA-3'
Protein context (NP_942131.1, residues 1646-1666): LIKLWESMST[Gln1656=]AFLPSPPLPS